The following is an entry in ClinVar:

ClinVar aggregate classification (germline): Uncertain significance (1 of 4 stars; one submission).

Submission:

GeneDx
Classification: Uncertain significance. Last evaluated: 2016-10-14. Review status: criteria provided, single submitter. Criteria: GeneDx Variant Classification (06012015). Collection method: clinical testing. Allele origin: germline. Affected: yes.
Comment: The c.-49-12C>G variant in the BCS1L gene has not been reported previously as a pathogenic variant nor as a benign variant, to our knowledge. This variant occurs within a region of the promoter and may alter the splice acceptor site in intron 2. However, in silico analysis is inconsistent in its predictions as to whether or not the variant may affect splicing, and in the absence of functional mRNA studies, the physiological consequence of this variant cannot be precisely determined. Additional data from control individuals in the NHLBI Exome Sequencing Project was not available to assess whether c.-49-12C>G may be a common benign variant in the general population. Therefore, we interpret c.-49-12C>G as a variant of uncertain significance.

NM_001079866.2(BCS1L):c.-49-12C>G

Gene: BCS1L (BCS1 homolog, ubiquinol-cytochrome c reductase complex chaperone; plus strand). Cytogenetic location: 2q35.
Variant type: single nucleotide variant.
Coding change: c.-49-12C>G on transcript NM_001079866.2 (MANE Select); 12 bases into the intron before 49 bases upstream of the start codon, C replaced by G.
Molecular consequence: intron variant. On other transcripts: 5 prime UTR variant (3), non-coding transcript variant (1).
Genome position (GRCh38, 1-based): chr2:218,660,927, C>G. VCF-style: chr2-218660927-C-G. GRCh37 (hg19) VCF-style: chr2-219525650-C-G.
Other names: c.-537C>G (NM_001371453.1, NM_001374086.1); c.-61C>G (NM_001374085.1); c.-49-12C>G (NM_001371446.1, NM_001371450.1, NM_001371448.1 and 8 more transcripts); c.-41+179C>G (NM_001371451.1); c.-525-12C>G (NM_001371454.1, NM_001371456.1, NM_001371455.1); c.-31-30C>G (NM_001371447.1); c.-40-479C>G (NM_001318836.2); c.-41-832C>G (NM_001371452.1).
Identifiers: ClinVar variation 390180 (VCV000390180.2), dbSNP rs766996246, ClinGen allele CA16604136.
Genomic context (GRCh38, chr2:218,660,927, plus strand): 5'-CTGTGGCCAGGGCTGGGGAGGTCCAATTTCTAATCTGTGCTTTGTCCCATCTCCACTGTT[C>G]CCCACCCCTAGGTTTTCGTAACACCCCAGGGCCTGTAAGGTTTGGTGTTTCCCTTTCAAG-3'